The following is an entry in ClinVar:

NM_004612.4(TGFBR1):c.873C>G (p.Tyr291Ter)

Gene: TGFBR1 (transforming growth factor beta receptor 1; plus strand). Cytogenetic location: 9q22.33.
Variant type: single nucleotide variant.
Coding change: c.873C>G on transcript NM_004612.4 (MANE Select); coding-DNA position 873, C replaced by G.
Protein change: p.Tyr291Ter; replaces tyrosine 291 with a stop codon.
Molecular consequence: nonsense.
Genome position (GRCh38, 1-based): chr9:99,142,603, C>G. VCF-style: chr9-99142603-C-G. GRCh37 (hg19) VCF-style: chr9-101904885-C-G.
Other names: c.642C>G, p.Tyr214Ter (NM_001130916.3); c.885C>G, p.Tyr295Ter (NM_001306210.2); short protein forms Y214*, Y291*, Y295*.
Identifiers: ClinVar variation 1306548 (VCV001306548.2), dbSNP rs2118778441, ClinGen allele CA374230635.

ClinVar aggregate classification (germline): Uncertain significance (1 of 4 stars; one submission).

Submission:

GeneDx
Classification: Uncertain significance. Last evaluated: 2019-06-17. Review status: criteria provided, single submitter. Criteria: GeneDx Variant Classification Process June 2021. Collection method: clinical testing. Allele origin: germline. Affected: yes.
Comment: Has not been previously published as pathogenic or benign to our knowledge; Not observed in large population cohorts (Lek et al., 2016); Nonsense variant predicted to result in protein truncation or nonsense mediated decay in a gene for which loss-of-function is not a well-established mechanism of disease for Loeys-Dietz syndrome, though nonsense variants in TGFBR1 have been reported in association with multiple self-healing squamous epithelioma (MSSE) in HGMD (Stenson et al., 2014)